The following is an entry in ClinVar:

NM_005491.5(MAMLD1):c.*381G>T

Gene: MAMLD1 (mastermind like domain containing 1; plus strand). Cytogenetic location: Xq28.
Variant type: single nucleotide variant.
Coding change: c.*381G>T on transcript NM_005491.5 (MANE Select); 381 bases downstream of the stop codon, G replaced by T.
Molecular consequence: 3 prime UTR variant. On other transcripts: missense variant (2).
Genome position (GRCh38, 1-based): chrX:150,512,340, G>T. VCF-style: chrX-150512340-G-T. GRCh37 (hg19) VCF-style: chrX-149680610-G-T.
Other names: c.2264G>T, p.Gly755Val (NM_001177465.3); c.*381G>T (NM_001177466.3, NM_001400513.1, NM_001400514.1 and 1 more transcripts); c.2339G>T, p.Gly780Val (NM_001400512.1); short protein forms G755V, G780V.
Identifiers: ClinVar variation 2632139 (VCV002632139.1), dbSNP rs782159736, ClinGen allele CA337085259.

ClinVar aggregate classification (germline): Uncertain significance (1 of 4 stars; one submission).

Conditions:
MAMLD1-related disorder. Also called: MAMLD1-related condition.

Allele frequency attached by ClinVar (database versions not stated): gnomAD 0.00001; TOPMed 0.00001; gnomAD exomes 0.00002.
gnomAD v4.1: 16 of 1,131,271 alleles (0.0014%); highest among the groups gnomAD compares: Non-Finnish European, 0.0019%; no homozygotes.

Submission:

PreventionGenetics, part of Exact Sciences
Classification: Uncertain significance for MAMLD1-related condition. Last evaluated: 2023-07-26. Review status: criteria provided, single submitter. Criteria: ACMG Guidelines, 2015. Collection method: clinical testing. Allele origin: germline.
Comment: The MAMLD1 c.2264G>T variant is predicted to result in the amino acid substitution p.Gly755Val. To our knowledge, this variant has not been reported in the literature or in a large population database, indicating this variant is rare. At this time, the clinical significance of this variant is uncertain due to the absence of conclusive functional and genetic evidence.